The following is an entry in ClinVar:

NM_006648.4(WNK2):c.2996C>T (p.Pro999Leu)

Gene: WNK2 (WNK lysine deficient protein kinase 2; plus strand). Cytogenetic location: 9q22.31.
Variant type: single nucleotide variant.
Coding change: c.2996C>T on transcript NM_006648.4 (MANE Select); coding-DNA position 2996, C replaced by T.
Protein change: p.Pro999Leu; replaces proline 999 with leucine.
Molecular consequence: missense variant.
Genome position (GRCh38, 1-based): chr9:93,259,544, C>T. VCF-style: chr9-93259544-C-T. GRCh37 (hg19) VCF-style: chr9-96021826-C-T.
Other names: c.2996C>T, p.Pro999Leu (NM_001282394.3); short protein forms P999L.
Identifiers: ClinVar variation 2286414 (VCV002286414.3), dbSNP rs2540144929, ClinGen allele CA374058155.

ClinVar aggregate classification (germline): Uncertain significance (1 of 4 stars; one submission).

Allele frequency attached by ClinVar (database versions not stated): gnomAD exomes below 0.00001.
gnomAD v4.1: 2 of 1,594,760 alleles (0.00013%); highest among the groups gnomAD compares: Non-Finnish European, 0.00017%; no homozygotes.

Submission:

Ambry Genetics
Classification: Uncertain significance. Last evaluated: 2025-01-05. Review status: criteria provided, single submitter. Criteria: Ambry Variant Classification Scheme 2023. Collection method: clinical testing. Allele origin: germline.
Comment: The p.P999L variant (also known as c.2996C>T), located in coding exon 11 of the WNK2 gene, results from a C to T substitution at nucleotide position 2996. The proline at codon 999 is replaced by leucine, an amino acid with similar properties. This amino acid position is conserved. In addition, this alteration is predicted to be tolerated by in silico analysis. Based on the available evidence, the clinical significance of this variant remains unclear.